The following is an entry in ClinVar:

ClinVar aggregate classification (germline): Uncertain significance (1 of 4 stars; one submission).

Allele frequency attached by ClinVar (database versions not stated): gnomAD exomes below 0.00001; TOPMed below 0.00001.
gnomAD v4.1: 4 of 1,587,222 alleles (0.00025%); highest among the groups gnomAD compares: Non-Finnish European, 0.00034%; no homozygotes.

Submission:

Labcorp Genetics (formerly Invitae), Labcorp
Classification: Uncertain significance. Last evaluated: 2022-05-03. Review status: criteria provided, single submitter. Criteria: Invitae Variant Classification Sherloc (09022015). Collection method: clinical testing. Allele origin: germline.
Comment: In summary, the available evidence is currently insufficient to determine the role of this variant in disease. Therefore, it has been classified as a Variant of Uncertain Significance. Algorithms developed to predict the effect of missense changes on protein structure and function are either unavailable or do not agree on the potential impact of this missense change (SIFT: "Tolerated"; PolyPhen-2: "Probably Damaging"; Align-GVGD: "Class C0"). This variant has not been reported in the literature in individuals affected with CCDC88A-related conditions. This variant is not present in population databases (gnomAD no frequency). This sequence change replaces glutamic acid, which is acidic and polar, with valine, which is neutral and non-polar, at codon 517 of the CCDC88A protein (p.Glu517Val).

NM_001365480.1(CCDC88A):c.1550A>T (p.Glu517Val)

Gene: CCDC88A (coiled-coil and HOOK domain protein 88A; minus strand). Cytogenetic location: 2p16.1.
Variant type: single nucleotide variant.
Coding change: c.1550A>T on transcript NM_001365480.1 (MANE Select); coding-DNA position 1550, A replaced by T.
Protein change: p.Glu517Val; replaces glutamic acid 517 with valine.
Molecular consequence: missense variant.
Genome position (GRCh38, 1-based): chr2:55,336,787, T>A on the plus strand (A>T on the coding strand, the complement: CCDC88A is on the minus strand). VCF-style: chr2-55336787-T-A. GRCh37 (hg19) VCF-style: chr2-55563923-T-A.
Other names: c.1550A>T, p.Glu517Val (NM_001135597.2, NM_001254943.2, NM_018084.5); short protein forms E517V.
Identifiers: ClinVar variation 2129721 (VCV002129721.4), dbSNP rs1685505924, ClinGen allele CA346902922.